The following is an entry in ClinVar:

ClinVar aggregate classification (germline): Uncertain significance (1 of 4 stars; one submission).

Conditions:
DYRK1B-related disorder. Also called: DYRK1B-related condition.

Submission:

PreventionGenetics, part of Exact Sciences
Classification: Uncertain significance for DYRK1B-related condition. Last evaluated: 2026-07-29. Review status: criteria provided, single submitter. Criteria: ACMG Guidelines, 2015. Collection method: clinical testing. Allele origin: germline.
Comment: The DYRK1B c.1753dupC variant is predicted to result in a frameshift and premature protein termination (p.Gln585Profs*23). To our knowledge, this variant has not been reported in the literature or in a large population database, indicating this variant is rare. This variant resides in the last exon of this gene, and it is unclear if the resulting mRNA would undergo nonsense-mediated decay. Furthermore, loss of function has not been established as a mechanism of DYRK1B-related disease. At this time, the clinical significance of this variant is uncertain due to the absence of conclusive functional and genetic evidence.

NM_004714.3(DYRK1B):c.1753dup (p.Gln585fs)

Gene: DYRK1B (dual specificity tyrosine phosphorylation regulated kinase 1B; minus strand). Cytogenetic location: 19q13.2.
Variant type: Duplication.
Coding change: c.1753dup on transcript NM_004714.3 (MANE Select); coding-DNA position 1753, one base duplicated (C; older notation c.1753dupC).
Protein change: p.Gln585fs; shifts the reading frame from glutamine 585.
Molecular consequence: frameshift variant.
Genome position (GRCh38, 1-based): chr19:39,825,852, G duplicated on the plus strand (C on the coding strand, the reverse complement: DYRK1B is on the minus strand); the first of 6 consecutive G bases (chr19:39,825,852-39,825,857); duplicating any one gives the same sequence. VCF-style (leftmost placement, unchanged base first): chr19-39825851-T-TG. GRCh37 (hg19) VCF-style: chr19-40316491-T-TG.
Other names: c.1633dup, p.Gln545fs (NM_006483.3); c.1669dup, p.Gln557fs (NM_006484.3); short protein forms Q545fs, Q557fs, Q585fs.
Identifiers: ClinVar variation 3358039 (VCV003358039.2).